The following is an entry in ClinVar:

NM_005120.3(MED12):c.111G>A (p.Thr37=)

Gene: MED12 (mediator complex subunit 12; plus strand). Cytogenetic location: Xq13.1.
Variant type: single nucleotide variant.
Coding change: c.111G>A on transcript NM_005120.3 (MANE Select); coding-DNA position 111, G replaced by A.
Protein change: p.Thr37=; no amino-acid change (threonine 37 retained).
Molecular consequence: synonymous variant.
Genome position (GRCh38, 1-based): chrX:71,119,384, G>A. VCF-style: chrX-71119384-G-A. GRCh37 (hg19) VCF-style: chrX-70339234-G-A.
Identifiers: ClinVar variation 386340 (VCV000386340.1), dbSNP rs1057522480, ClinGen allele CA16609207.

ClinVar aggregate classification (germline): Likely benign (1 of 4 stars; one submission).

Submission:

GeneDx
Classification: Likely benign. Last evaluated: 2016-05-17. Review status: criteria provided, single submitter. Criteria: GeneDx Variant Classification (06012015). Collection method: clinical testing. Allele origin: germline. Affected: yes.
Comment: This variant is considered likely benign or benign based on one or more of the following criteria: it is a conservative change, it occurs at a poorly conserved position in the protein, it is predicted to be benign by multiple in silico algorithms, and/or has population frequency not consistent with disease.